The following is an entry in ClinVar:

NM_000929.3(PLA2G5):c.70G>T (p.Asp24Tyr)

Gene: PLA2G5 (phospholipase A2 group V; plus strand). Cytogenetic location: 1p36.13.
Variant type: single nucleotide variant.
Coding change: c.70G>T on transcript NM_000929.3 (MANE Select); coding-DNA position 70, G replaced by T.
Protein change: p.Asp24Tyr; replaces aspartic acid 24 with tyrosine.
Molecular consequence: missense variant.
Genome position (GRCh38, 1-based): chr1:20,086,112, G>T. VCF-style: chr1-20086112-G-T. GRCh37 (hg19) VCF-style: chr1-20412605-G-T.
Other names: short protein forms D24Y.
Identifiers: ClinVar variation 1975527 (VCV001975527.5), dbSNP rs781236737, ClinGen allele CA658169.

ClinVar aggregate classification (germline): Uncertain significance (1 of 4 stars; one submission).

Allele frequency attached by ClinVar (database versions not stated): ExAC 0.00001.

Submission:

Labcorp Genetics (formerly Invitae), Labcorp
Classification: Uncertain significance. Last evaluated: 2022-03-14. Review status: criteria provided, single submitter. Criteria: Invitae Variant Classification Sherloc (09022015). Collection method: clinical testing. Allele origin: germline.
Comment: In summary, the available evidence is currently insufficient to determine the role of this variant in disease. Therefore, it has been classified as a Variant of Uncertain Significance. This sequence change replaces aspartic acid, which is acidic and polar, with tyrosine, which is neutral and polar, at codon 24 of the PLA2G5 protein (p.Asp24Tyr). The frequency data for this variant in the population databases is considered unreliable, as metrics indicate poor data quality at this position in the gnomAD database. This variant has not been reported in the literature in individuals affected with PLA2G5-related conditions. Algorithms developed to predict the effect of missense changes on protein structure and function are either unavailable or do not agree on the potential impact of this missense change (SIFT: "Deleterious"; PolyPhen-2: "Possibly Damaging"; Align-GVGD: "Class C15").